The following is an entry in ClinVar:

ClinVar aggregate classification (germline): Uncertain significance. Review status: criteria provided, multiple submitters, no conflicts (2 of 4 stars). 4 submissions from 4 submitters: Uncertain significance (4). Last evaluated 2025-02-03.

Conditions:
Autosomal recessive Alport syndrome (ATS2). Also called: Alport syndrome type 2; ALPORT SYNDROME 2, AUTOSOMAL RECESSIVE; COL4A3-Related Nephropathy; COL4A4 Alport Syndrome and Thin Basement Membrane Nephropathy. Identifiers: Orphanet 63, Orphanet 88919, MedGen C4746745, MONDO:0008762, OMIM 203780.
Benign familial hematuria. Also called: thin basement membrane disease. Identifiers: MedGen C0241908, MONDO:0957317.
Alport syndrome. Also called: Hemorrhagic familial nephritis; Hemorrhagic hereditary nephritis; Congenital hereditary hematuria. Identifiers: Orphanet 63, MedGen C1567741, MONDO:0018965.

Allele frequency attached by ClinVar (database versions not stated): gnomAD 0.00001.
gnomAD v4.1: 11 of 1,614,010 alleles (0.00068%); highest among the groups gnomAD compares: Middle Eastern, 0.033%; no homozygotes.

Submissions (4):

Revvity Omics, Revvity
Classification: Uncertain significance. Last evaluated: 2025-02-03. Review status: criteria provided, single submitter. Criteria: ACMG Guidelines, 2015. Collection method: clinical testing. Allele origin: germline.

GeneDx
Classification: Uncertain significance. Last evaluated: 2022-12-27. Review status: criteria provided, single submitter. Criteria: GeneDx Variant Classification Process June 2021. Collection method: clinical testing. Allele origin: germline. Affected: yes.
Comment: Not observed at significant frequency in large population cohorts (gnomAD); In silico analysis supports that this missense variant does not alter protein structure/function; Has not been previously published as pathogenic or benign to our knowledge; Occurs in the triple helical domain at the Y position in the canonical Gly-X-Y repeat; although this variant may have an effect on normal protein folding and function, missense substitution at the Y position is not a common mechanism of disease

Fulgent Genetics
Classification: Uncertain significance for Hematuria, benign familial, 1; Autosomal recessive Alport syndrome. Last evaluated: 2022-03-05. Review status: criteria provided, single submitter. Criteria: ACMG Guidelines, 2015. Collection method: clinical testing. Allele origin: unknown.

Illumina Laboratory Services, Illumina
Classification: Uncertain significance for Alport syndrome. Last evaluated: 2018-01-13. Review status: criteria provided, single submitter. Criteria: ICSL Variant Classification Criteria 13 December 2019. Collection method: clinical testing. Allele origin: germline.

NM_000092.5(COL4A4):c.228T>G (p.Ile76Met)

Gene: COL4A4 (collagen type IV alpha 4 chain; minus strand). Cytogenetic location: 2q36.3.
Variant type: single nucleotide variant.
Coding change: c.228T>G on transcript NM_000092.5 (MANE Select); coding-DNA position 228, T replaced by G.
Protein change: p.Ile76Met; replaces isoleucine 76 with methionine.
Molecular consequence: missense variant.
Genome position (GRCh38, 1-based): chr2:227,121,113, A>C on the plus strand (T>G on the coding strand, the complement: COL4A4 is on the minus strand). VCF-style: chr2-227121113-A-C. GRCh37 (hg19) VCF-style: chr2-227985829-A-C.
Other names: short protein forms I76M.
Identifiers: ClinVar variation 898817 (VCV000898817.7), dbSNP rs1393470640, ClinGen allele CA350863428.